The following is an entry in ClinVar:

NM_000038.6(APC):c.7773T>C (p.His2591=)

Gene: APC (APC regulator of Wnt signaling pathway; plus strand). Cytogenetic location: 5q22.2.
Variant type: single nucleotide variant.
Coding change: c.7773T>C on transcript NM_000038.6 (MANE Select); coding-DNA position 7773, T replaced by C.
Protein change: p.His2591=; no amino-acid change (histidine 2591 retained).
Molecular consequence: synonymous variant.
Genome position (GRCh38, 1-based): chr5:112,843,367, T>C. VCF-style: chr5-112843367-T-C. GRCh37 (hg19) VCF-style: chr5-112179064-T-C.
Other names: c.7773T>C, p.His2591= (NM_001127510.3, NM_001354895.2); c.7719T>C, p.His2573= (NM_001127511.3); c.7827T>C, p.His2609= (NM_001354896.2); c.7803T>C, p.His2601= (NM_001354897.2); c.7698T>C, p.His2566= (NM_001354898.2); c.7689T>C, p.His2563= (NM_001354899.2); c.7650T>C, p.His2550= (NM_001354900.2); c.7596T>C, p.His2532= (NM_001354901.2); and 5 more.
Identifiers: ClinVar variation 630202 (VCV000630202.15), dbSNP rs754977173, ClinGen allele CA049143.

ClinVar aggregate classification (germline): Benign/Likely benign. Review status: criteria provided, multiple submitters, no conflicts (2 of 4 stars). 5 submissions from 5 submitters: Benign (1); Likely benign (4). Last evaluated 2025-06-02.

Conditions:
Hereditary cancer-predisposing syndrome. Also called: Neoplastic Syndromes, Hereditary; Tumor predisposition; Hereditary neoplastic syndrome; Hereditary Cancer Syndrome. Identifiers: Orphanet 140162, MedGen C0027672, MeSH D009386, MONDO:0015356.
Familial adenomatous polyposis 1 (FAP1). Also called: POLYPOSIS, ADENOMATOUS INTESTINAL; FAMILIAL ADENOMATOUS POLYPOSIS 1, ATTENUATED. Identifiers: MedGen C2713442, MONDO:0021056, OMIM 175100. Disease mechanism: loss of function.

Allele frequency attached by ClinVar (database versions not stated): gnomAD exomes below 0.00001; TOPMed below 0.00001; ExAC 0.00001.
gnomAD v4.1: 2 of 1,613,878 alleles (0.00012%); highest among the groups gnomAD compares: Non-Finnish European, 0.00017%; no homozygotes.

Submissions (5):

Labcorp Genetics (formerly Invitae), Labcorp
Classification: Likely benign for Familial adenomatous polyposis 1. Last evaluated: 2025-06-02. Review status: criteria provided, single submitter. Criteria: Invitae Variant Classification Sherloc (09022015). Collection method: clinical testing. Allele origin: germline.

Molecular Diagnostics Laboratory, Catalan Institute of Oncology
Classification: Likely benign for Hereditary cancer-predisposing syndrome. Last evaluated: 2024-09-03. Review status: criteria provided, single submitter. Criteria: ClinGen ACMG Specifications APC V1.0.0. Collection method: clinical testing. Allele origin: germline.
Comment: BP4, BP7 c.7773T>C, located in exon 16 of the APC gene, is predicted to result in no splicing alteration (according to SpliceAI) and no amino acid change, p.(His2591=) (BP4, BP7). This variant is found in 1/267379 alleles at a frequency of 0.0037% in the gnomAD v2.1.1 database, non-cancer dataset. In addition, the variant has been identified in the ClinVar database (3x, likely benign, 1x benign), but it is not present in the LOVD database. To our knowledge, neither relevant clinical data nor well-stablished functional studies have been reported for this variant. Based on currently available information, the variant c.7773T>C should be considered a likely benign variant.

Myriad Genetics, Inc.
Classification: Benign for Familial adenomatous polyposis 1. Last evaluated: 2024-04-10. Review status: criteria provided, single submitter. Criteria: Myriad Autosomal Dominant, Autosomal Recessive and X-Linked Classification Criteria (2023). Collection method: clinical testing. Allele origin: unknown.
Comment: This variant is considered benign. This variant is a silent/synonymous amino acid change and it is not expected to impact splicing.

Ambry Genetics
Classification: Likely benign for Hereditary cancer-predisposing syndrome. Last evaluated: 2021-08-05. Review status: criteria provided, single submitter. Criteria: Ambry Variant Classification Scheme 2023. Collection method: clinical testing. Allele origin: germline.

Color Diagnostics, LLC DBA Color Health
Classification: Likely benign for Hereditary cancer-predisposing syndrome. Last evaluated: 2017-11-22. Review status: criteria provided, single submitter. Criteria: ACMG Guidelines, 2015. Collection method: clinical testing. Allele origin: germline.